The following is an entry in ClinVar:

NM_182925.5(FLT4):c.2065G>T (p.Val689Leu)

Gene: FLT4 (fms related receptor tyrosine kinase 4; minus strand). Cytogenetic location: 5q35.3.
Variant type: single nucleotide variant.
Coding change: c.2065G>T on transcript NM_182925.5 (MANE Select); coding-DNA position 2065, G replaced by T.
Protein change: p.Val689Leu; replaces valine 689 with leucine.
Molecular consequence: missense variant.
Genome position (GRCh38, 1-based): chr5:180,621,208, C>A on the plus strand (G>T on the coding strand, the complement: FLT4 is on the minus strand). VCF-style: chr5-180621208-C-A. GRCh37 (hg19) VCF-style: chr5-180048208-C-A.
Other names: c.2065G>T, p.Val689Leu (NM_001354989.2, NM_002020.5); short protein forms V689L.
Identifiers: ClinVar variation 3769203 (VCV003769203.2).
Genomic context (GRCh38, chr5:180,621,208, plus strand): 5'-TGCTGGGCGCGTGCGCTCCGGCCACCAAGCACTGCATCTCCAGCGAGTCGCTCACGTTCA[C>A]CAGGAGGTCGGTCAAGTTCTGCGTGAGCCGAGGGGCTTCCAGGGCTGGGGGCAGGGGTCG-3'
Protein context (NP_891555.2, residues 679-699): RLTQNLTDLL[Val689Leu]NVSDSLEMQC

ClinVar aggregate classification (germline): Uncertain significance (1 of 4 stars; one submission).

Submission:

Women's Health and Genetics/Laboratory Corporation of America, LabCorp
Classification: Uncertain significance. Last evaluated: 2025-01-07. Review status: criteria provided, single submitter. Criteria: LabCorp Variant Classification Summary - May 2015. Collection method: clinical testing. Allele origin: germline.
Comment: Variant summary: FLT4 c.2065G>T (p.Val689Leu) results in a conservative amino acid change located in the Immunoglobulin I-set domain (IPR013098) of the encoded protein sequence. Four of five in-silico tools predict a damaging effect of the variant on protein function. The variant allele was found at a frequency of 8.1e-06 in 247388 control chromosomes. The available data on variant occurrences in the general population are insufficient to allow any conclusion about variant significance. To our knowledge, no occurrence of c.2065G>T in individuals affected with FLT4-Related Disorders and no experimental evidence demonstrating its impact on protein function have been reported. No submitters have cited clinical-significance assessments for this variant to ClinVar. Based on the evidence outlined above, the variant was classified as uncertain significance.